The following is an entry in ClinVar:

NM_001734.5(C1S):c.718-49_718-14dup

Gene: C1S (complement C1s; plus strand). Cytogenetic location: 12p13.31.
Variant type: Duplication.
Coding change: c.718-49_718-14dup on transcript NM_001734.5 (MANE Select); 49 bases into the intron before coding-DNA position 718 through 14 bases into the intron before coding-DNA position 718, 36 bases duplicated.
Molecular consequence: intron variant.
Genome position (GRCh38, 1-based): chr12:7,065,768-7,065,803, 36 bases duplicated; duplicating any 36 consecutive bases within chr12:7,065,767-7,065,803 gives the same sequence; the c. name uses the placement nearest the transcript's 3' end. GRCh37 (hg19): chr12:7,173,072-7,173,107.
Other names: c.718-49_718-14dup (NM_201442.4); c.217-49_217-14dup (NM_001346850.2); c.718-49_718-14dup36 (NM_001734.5).
Identifiers: ClinVar variation 4689752 (VCV004689752.1).

ClinVar aggregate classification (germline): Benign (1 of 4 stars; one submission).

Submission:

Women's Health and Genetics/Laboratory Corporation of America, LabCorp
Classification: Benign. Last evaluated: 2026-01-30. Review status: criteria provided, single submitter. Criteria: LabCorp Variant Classification Summary - May 2015. Collection method: clinical testing. Allele origin: germline.
Comment: Variant summary: C1S c.718-49_718-14dup36 alters a nucleotide located at a position not widely known to affect splicing. Consensus agreement among computation tools predict no significant impact on normal splicing. However, these predictions have yet to be confirmed by functional studies. The variant allele was found at a frequency of 0.00069 in 250834 control chromosomes, predominantly at a frequency of 0.0099 within the African or African-American subpopulation in the gnomAD database, including 2 homozygotes. The observed variant frequency within African or African-American control individuals in the gnomAD database exceeds the estimated maximal expected allele frequency for disease-causing variants in C1S. To our knowledge, no occurrence of c.718-49_718-14dup36 in individuals affected with C1S-related conditions and no experimental evidence demonstrating its impact on protein function have been reported. No submitters have cited clinical-significance assessments for this variant to ClinVar. Based on the evidence outlined above, the variant was classified as benign.